The following is an entry in ClinVar:

NM_006846.4(SPINK5):c.1980C>T (p.Thr660=)

Gene: SPINK5 (serine peptidase inhibitor Kazal type 5; plus strand). Cytogenetic location: 5q32.
Variant type: single nucleotide variant.
Coding change: c.1980C>T on transcript NM_006846.4 (MANE Select); coding-DNA position 1980, C replaced by T.
Protein change: p.Thr660=; no amino-acid change (threonine 660 retained).
Molecular consequence: synonymous variant.
Genome position (GRCh38, 1-based): chr5:148,114,454, C>T. VCF-style: chr5-148114454-C-T. GRCh37 (hg19) VCF-style: chr5-147494017-C-T.
Other names: c.1980C>T, p.Thr660= (NM_001127698.2, NM_001127699.2).
Identifiers: ClinVar variation 2578984 (VCV002578984.26), dbSNP rs760967081, ClinGen allele CA446936298.

ClinVar aggregate classification (germline): Likely benign. Review status: criteria provided, multiple submitters, no conflicts (2 of 4 stars). 2 submissions from 2 submitters: Likely benign (2). Last evaluated 2025-12-17.

Conditions:
Ichthyosis linearis circumflexa. Identifiers: MedGen C0265962, MONDO:0043106, HP:0025810.

Submissions (2):

Labcorp Genetics (formerly Invitae), Labcorp
Classification: Likely benign for Ichthyosis linearis circumflexa. Last evaluated: 2025-12-17. Review status: criteria provided, single submitter. Criteria: Invitae Variant Classification Sherloc (09022015). Collection method: clinical testing. Allele origin: germline.

CeGaT Center for Human Genetics Tuebingen
Classification: Likely benign. Last evaluated: 2023-08-01. Review status: criteria provided, single submitter. Criteria: CeGaT Center For Human Genetics Tuebingen Variant Classification Criteria Version 2. Collection method: clinical testing. Allele origin: germline. Affected: yes. Observed: 1 variant allele.
Comment: SPINK5: PM2:Supporting, BP4, BP7